The following is an entry in ClinVar:

NM_032520.5(GNPTG):c.347A>C (p.Asn116Thr)

Gene: GNPTG (N-acetylglucosamine-1-phosphate transferase subunit gamma; plus strand). Cytogenetic location: 16p13.3.
Variant type: single nucleotide variant.
Coding change: c.347A>C on transcript NM_032520.5 (MANE Select); coding-DNA position 347, A replaced by C.
Protein change: p.Asn116Thr; replaces asparagine 116 with threonine.
Molecular consequence: missense variant.
Genome position (GRCh38, 1-based): chr16:1,362,067, A>C. VCF-style: chr16-1362067-A-C. GRCh37 (hg19) VCF-style: chr16-1412068-A-C.
Other names: short protein forms N116T.
Identifiers: ClinVar variation 2199485 (VCV002199485.1), dbSNP rs200975355, ClinGen allele CA7807647.
Genomic context (GRCh38, chr16:1,362,067, plus strand): 5'-GGCCTCACGTGCCGTGCCCGTGTCTCCCCAGCATCTGGCACGAGTGGGAGATCGCCAACA[A>C]CACCTTCACGGGCATGTGGATGAGGGACGGTGACGCCTGCCGTTCCCGGAGCCGGCAGAG-3'
Protein context (NP_115909.1, residues 106-126): GIWHEWEIAN[Asn116Thr]TFTGMWMRDG

ClinVar aggregate classification (germline): Uncertain significance (1 of 4 stars; one submission).

Allele frequency attached by ClinVar (database versions not stated): gnomAD 0.00004; gnomAD exomes 0.00007; TOPMed 0.00008; ExAC 0.00009; 1000 Genomes Project 30x 0.00016; 1000 Genomes Project 0.00020.

Submission:

Labcorp Genetics (formerly Invitae), Labcorp
Classification: Uncertain significance. Last evaluated: 2022-07-30. Review status: criteria provided, single submitter. Criteria: Invitae Variant Classification Sherloc (09022015). Collection method: clinical testing. Allele origin: germline.
Comment: This sequence change replaces asparagine, which is neutral and polar, with threonine, which is neutral and polar, at codon 116 of the GNPTG protein (p.Asn116Thr). This variant is present in population databases (rs200975355, gnomAD 0.1%). This variant has not been reported in the literature in individuals affected with GNPTG-related conditions. Algorithms developed to predict the effect of missense changes on protein structure and function are either unavailable or do not agree on the potential impact of this missense change (SIFT: "Tolerated"; PolyPhen-2: "Possibly Damaging"; Align-GVGD: "Class C0"). This variant disrupts the p.Asn116 amino acid residue in GNPTG. Other variant(s) that disrupt this residue have been determined to be pathogenic (PMID: 15532026, 19370764, 29170090). This suggests that this residue is clinically significant, and that variants that disrupt this residue are likely to be disease-causing. In summary, the available evidence is currently insufficient to determine the role of this variant in disease. Therefore, it has been classified as a Variant of Uncertain Significance.

Literature cited by the submitters: PubMed 15532026; PubMed 19370764; PubMed 29170090.